The following is an entry in ClinVar:

NM_152753.4(SCUBE3):c.1301G>A (p.Arg434Gln)

Gene: SCUBE3 (signal peptide, CUB domain and EGF like domain containing 3; plus strand). Cytogenetic location: 6p21.31.
Variant type: single nucleotide variant.
Coding change: c.1301G>A on transcript NM_152753.4 (MANE Select); coding-DNA position 1301, G replaced by A.
Protein change: p.Arg434Gln; replaces arginine 434 with glutamine.
Molecular consequence: missense variant.
Genome position (GRCh38, 1-based): chr6:35,241,648, G>A. VCF-style: chr6-35241648-G-A. GRCh37 (hg19) VCF-style: chr6-35209425-G-A.
Other names: c.1298G>A, p.Arg433Gln (NM_001303136.2); short protein forms R433Q, R434Q.
Identifiers: ClinVar variation 2656507 (VCV002656507.24), dbSNP rs141661914, ClinGen allele CA3769437.

ClinVar aggregate classification (germline): Likely benign (1 of 4 stars; one submission).

Allele frequency attached by ClinVar (database versions not stated): 1000 Genomes Project 30x 0.00047; 1000 Genomes Project 0.00060; ExAC 0.00137; TOPMed 0.00138; gnomAD 0.00139; ESP Exome Variant Server 0.00177; gnomAD exomes 0.00227.
gnomAD v4.1: 3,484 of 1,611,802 alleles (0.22%); highest among the groups gnomAD compares: Non-Finnish European, 0.27%; 4 homozygotes.

Submission:

CeGaT Center for Human Genetics Tuebingen
Classification: Likely benign. Last evaluated: 2022-06-01. Review status: criteria provided, single submitter. Criteria: CeGaT Center For Human Genetics Tuebingen Variant Classification Criteria Version 2. Collection method: clinical testing. Allele origin: germline. Affected: yes. Observed: 1 variant allele.
Comment: SCUBE3: BP4